The following is an entry in ClinVar:

NM_000321.3(RB1):c.552A>C (p.Glu184Asp)

Gene: RB1 (RB transcriptional corepressor 1; plus strand). Cytogenetic location: 13q14.2.
Variant type: single nucleotide variant.
Coding change: c.552A>C on transcript NM_000321.3 (MANE Select); coding-DNA position 552, A replaced by C.
Protein change: p.Glu184Asp; replaces glutamic acid 184 with aspartic acid.
Molecular consequence: missense variant.
Genome position (GRCh38, 1-based): chr13:48,348,968, A>C. VCF-style: chr13-48348968-A-C. GRCh37 (hg19) VCF-style: chr13-48923104-A-C.
Other names: short protein forms E184D.
Identifiers: ClinVar variation 527928 (VCV000527928.12), dbSNP rs1220347917, ClinGen allele CA388156901.

ClinVar aggregate classification (germline): Conflicting classifications of pathogenicity. Review status: criteria provided, conflicting classifications (1 of 4 stars). 3 submissions from 3 submitters: Uncertain significance (2); Likely benign (1). Last evaluated 2025-04-13.

Conditions:
Hereditary cancer-predisposing syndrome. Also called: Neoplastic Syndromes, Hereditary; Tumor predisposition; Hereditary Cancer Syndrome; Hereditary neoplastic syndrome. Identifiers: Orphanet 140162, MedGen C0027672, MeSH D009386, MONDO:0015356.
Retinoblastoma (RB1). Also called: RETINOBLASTOMA, SOMATIC. Identifiers: Orphanet 790, MedGen C0035335, MeSH D012175, MONDO:0008380, OMIM 180200, HP:0009919. Disease mechanism: loss of function. Inheritance: Both sporadic and heritable forms are tested..

Allele frequency attached by ClinVar (database versions not stated): gnomAD exomes below 0.00001.
gnomAD v4.1: 4 of 1,602,050 alleles (0.00025%); highest among the groups gnomAD compares: Non-Finnish European, 0.00034%; no homozygotes.

Submissions (3):

Labcorp Genetics (formerly Invitae), Labcorp
Classification: Uncertain significance for Retinoblastoma. Last evaluated: 2025-04-13. Review status: criteria provided, single submitter. Criteria: Invitae Variant Classification Sherloc (09022015). Collection method: clinical testing. Allele origin: germline.
Comment: This sequence change replaces glutamic acid, which is acidic and polar, with aspartic acid, which is acidic and polar, at codon 184 of the RB1 protein (p.Glu184Asp). This variant is present in population databases (no rsID available, gnomAD 0.0009%). This variant has not been reported in the literature in individuals affected with RB1-related conditions. ClinVar contains an entry for this variant (Variation ID: 527928). Invitae Evidence Modeling of protein sequence and biophysical properties (such as structural, functional, and spatial information, amino acid conservation, physicochemical variation, residue mobility, and thermodynamic stability) indicates that this missense variant is not expected to disrupt RB1 protein function with a negative predictive value of 80%. In summary, the available evidence is currently insufficient to determine the role of this variant in disease. Therefore, it has been classified as a Variant of Uncertain Significance.

All of Us Research Program, National Institutes of Health
Classification: Uncertain significance for Retinoblastoma. Last evaluated: 2024-09-23. Review status: criteria provided, single submitter. Criteria: ACMG Guidelines, 2015. Collection method: clinical testing. Allele origin: germline. Inheritance: Autosomal dominant inheritance. Observed: 2 variant alleles, 2 heterozygotes.
Comment: This missense variant replaces glutamic acid with aspartic acid at codon 184 of the RB1 protein. Computational prediction suggests that this variant may not impact protein structure and function (internally defined REVEL score threshold <= 0.5, PMID: 27666373). To our knowledge, functional studies have not been reported for this variant. This variant has not been reported in individuals affected with RB1-related disorders in the literature. This variant has been identified in 1/248766 chromosomes in the general population by the Genome Aggregation Database (gnomAD). The available evidence is insufficient to determine the role of this variant in disease conclusively. Therefore, this variant is classified as a Variant of Uncertain Significance.

This study involves interpretation of variants in research participants for the purpose of population health screening. Participant phenotype was not available at the time of variant classification. Additional details can be found in publication PMID: 35346344, PMCID: PMC8962531

Ambry Genetics
Classification: Likely benign for Hereditary cancer-predisposing syndrome. Last evaluated: 2024-07-10. Review status: criteria provided, single submitter. Criteria: Ambry Variant Classification Scheme 2023. Collection method: clinical testing. Allele origin: germline.